The following is an entry in ClinVar:

ClinVar aggregate classification (germline): Likely benign (1 of 4 stars; one submission).

Conditions:
Basilicata-Akhtar syndrome. Also called: INTELLECTUAL DEVELOPMENTAL DISORDER, X-LINKED, SYNDROMIC, 36; MENTAL RETARDATION, X-LINKED, SYNDROMIC, BASILICATA-AKHTAR TYPE. Identifiers: MedGen C5231394, MONDO:0026730, OMIM 301032.

Allele frequency attached by ClinVar (database versions not stated): 1000 Genomes Project 30x 0.00021; 1000 Genomes Project 0.00026; ESP Exome Variant Server 0.00133.
gnomAD v4.1: 2,007 of 1,210,508 alleles (0.17%); highest among the groups gnomAD compares: Non-Finnish European, 0.2%; 2 homozygotes.

Submission:

Victorian Clinical Genetics Services, Murdoch Childrens Research Institute
Classification: Likely benign for Basilicata-Akhtar syndrome. Last evaluated: 2022-02-02. Review status: criteria provided, single submitter. Criteria: ACMG Guidelines, 2015. Collection method: clinical testing. Allele origin: germline. Inheritance: X-linked dominant inheritance.
Comment: Based on the classification scheme VCGS_Germline_v1.3.4, this variant is classified as likely benign. Following criteria are met: 0308 - Population frequency for this variant is out of keeping with known incidence of Basilicata-Akhtar syndrome (MIM#301032). (SB) Legend: (SP) - Supporting pathogenic, (I) - Information, (SB) - Supporting benign

NM_078629.4(MSL3):c.1094G>A (p.Ser365Asn)

Gene: MSL3 (MSL complex subunit 3; plus strand). Cytogenetic location: Xp22.2.
Variant type: single nucleotide variant.
Coding change: c.1094G>A on transcript NM_078629.4 (MANE Select); coding-DNA position 1094, G replaced by A.
Protein change: p.Ser365Asn; replaces serine 365 with asparagine.
Molecular consequence: missense variant.
Genome position (GRCh38, 1-based): chrX:11,765,652, G>A. VCF-style: chrX-11765652-G-A. GRCh37 (hg19) VCF-style: chrX-11783771-G-A.
Other names: c.1058G>A, p.Ser353Asn (NM_001193270.2); c.647G>A, p.Ser216Asn (NM_001282174.1); c.596G>A, p.Ser199Asn (NM_006800.4); c.1094G>A, p.Ser365Asn (NM_078628.2); short protein forms S199N, S216N, S353N, S365N.
Identifiers: ClinVar variation 1805224 (VCV001805224.2), dbSNP rs147804390, ClinGen allele CA10348895.